The following continues an entry in ClinVar:

NM_000492.4(CFTR):c.2002C>T (p.Arg668Cys)

Gene: CFTR. ClinVar aggregate classification (germline): Conflicting classifications of pathogenicity. Pathogenic (2); Uncertain significance (16); Benign (3); Likely benign (4).

Submissions 22 to 30 of 30:

Illumina Laboratory Services, Illumina
Classification: Uncertain significance for CFTR-Related Disorders. Last evaluated: 2018-02-16. Review status: criteria provided, single submitter. Criteria: ICSL Variant Classification Criteria 13 December 2019. Collection method: clinical testing. Allele origin: germline.
Comment: This variant was observed as part of a predisposition screen in an ostensibly healthy population. A literature search was performed for the gene, cDNA change, and amino acid change (where applicable). Publications were found based on this search. However, the evidence from the literature, in combination with allele frequency data from public databases where available, was not sufficient to rule this variant in or out of causing disease. Therefore, this variant is classified as a variant of unknown significance.

Fulgent Genetics
Classification: Uncertain significance for Hereditary pancreatitis; Bronchiectasis with or without elevated sweat chloride 1; Cystic fibrosis; Congenital bilateral aplasia of vas deferens from CFTR mutation. Last evaluated: 2017-05-23. Review status: criteria provided, single submitter. Criteria: ACMG Guidelines, 2015. Collection method: clinical testing. Allele origin: unknown.

Women's Health and Genetics/Laboratory Corporation of America, LabCorp
Classification: Likely benign. Last evaluated: 2016-05-23. Review status: criteria provided, single submitter. Criteria: LabCorp Variant Classification Summary - May 2015. Collection method: clinical testing. Allele origin: germline.
Comment: Variant Summary: The variant CFTR c.2002C>T (p.Arg668Cys) occurs at a non-conserved position. 5/5 in silico tools predict a damaging outcome for this variant. It is frequently observed with other sequence changes (with p.Asp443Tyr and p.Gly576Ala) on the same chromosome, thereby creating complex alleles that are of clinical significance to CFTR-related disorders including non-classic CF. Recently, p.R668C has been deemed non-penetrant due to its presence in the non-transmitted allele of carrier fathers (29/4124 alleles = 0.7%) of CF-affected childs at a frequency similar to that observed in the general population (0.4-0.9%) and an approximately 10 fold lower frequency of occurrence in individuals with cystic fibrosis listed in CFTR2 database (49/70,777 alleles = 0.07%) as would be expected for a non-penetrant CFTR allele (Sosnay et al 2013). These findings are consistent with the observed allele frequency of 766/124616 (1/163; 0.61%), which is lower than the maximal expected allele frequency of 1/77 (1.23%) for a pathogenic CFTR variant associated with classic CF. Furthermore, the observed allele frequency in the ExAC database of 0.61% with one homozygous occurrence is similar to the frequency of the most common CF-causing variant, deltaF508 (0.68% without a homozygous occurrence). This supports the notion that this missense variant is likely not CF-causing since R668C has been reported in very few CF patients. The baseline chloride transport of R668C was shown to be intermediate of normal CFTR (El-Seedy et al 2012, Van Goor et al 2013, Sosnay et al 2013), but the in vivo consequence of this level of activity is unknown. But the variant p.R668C does not affect glycosylation and subcellular localization (El-Seedy et al 2012, Sosnay et al 2013). This variant has been reported to alter the splicing properties of other variants which include p.D565G and p.G576A, but does not appear to have a significant impact on splicing when in isolation (Pagani et al 2003). Contrary to the classification provided by two labs in ClinVar (Emory Genetics and LMM as VUS), the CFTR2 database states that this variant does not cause CF in combination with other CF-causing mutations. Although this variant in isolation is not CF-causing, it could still represent as a risk variant for CFTR-RD. Based on the currently available information, this variant is classified as a Probable Normal Variant (i.e. likely benign).

Laboratory for Molecular Medicine, Mass General Brigham Personalized Medicine
Classification: Uncertain significance. Last evaluated: 2015-07-31. Review status: criteria provided, single submitter. Criteria: LMM Criteria. Collection method: clinical testing. Allele origin: germline. Observed: 2 variant alleles.
Comment: Variant classified as Uncertain Significance - Favor Benign. The p.Arg668Cys var iant in CFTR has been reported in >50 compound heterozygous individuals with var ying clinical diagnoses, including congenital bilateral absence of the van defer ens (CBAVD), diffuse bronchiectasis, idiopathic pancreatitis, and cystic fibrosi s (Chillon 1995, Dork 1997, Sosnay 2013, El-Seedy 2012); however most of these i ndividuals carried one or more CFTR variants in cis with this variant. This vari ant has been identified in 0.92% (609/65954) Europeans by the Exome Aggregation Consortium (ExAC; dbSNP rs1800098). The carrier frequency of this variant in individuals with CF has reported to be lower than t he carrier frequency in the general population (Sosnay 2013). Computational pred iction tools and evolutionary conservation analysis do not provide strong suppor t for or against an impact to the protein. In summary, while the clinical signif icance of the p.Arg668Cys variant is uncertain, these data suggest that it is m ore likely to be benign.

Zotz-Klimas Genetics Lab, MVZ Zotz Klimas
Classification: Uncertain significance for Hereditary pancreatitis. Last evaluated: 2023-11-02. Review status: no assertion criteria provided. Collection method: clinical testing. Allele origin: germline. Affected: yes. Not counted in ClinVar's aggregate classification.

Genome Diagnostics Laboratory, The Hospital for Sick Children
Classification: Uncertain significance for CFTR-related disorders. Last evaluated: 2020-09-16. Review status: no assertion criteria provided. Collection method: clinical testing. Allele origin: germline. Not counted in ClinVar's aggregate classification.

Natera, Inc.
Classification: Benign for Cystic Fibrosis. Last evaluated: 2019-08-05. Review status: no assertion criteria provided. Collection method: clinical testing. Allele origin: germline. Not counted in ClinVar's aggregate classification.

Clinical Molecular Genetics Laboratory, Johns Hopkins All Children's Hospital
Classification: Uncertain significance for Chronic sinusitis. Last evaluated: 2015-05-14. Review status: no assertion criteria provided. Collection method: clinical testing. Allele origin: germline. Affected: yes. Not counted in ClinVar's aggregate classification.
Comment: c.1727G>C and c.2002C>T found in cis

Clinical Molecular Genetics Laboratory, Johns Hopkins All Children's Hospital
Classification: Uncertain significance. Last evaluated: 2015-05-14. Review status: no assertion criteria provided. Collection method: clinical testing. Allele origin: germline. Affected: yes. Not counted in ClinVar's aggregate classification.
Comment: the same text as in the submission from Clinical Molecular Genetics Laboratory, Johns Hopkins All Children's Hospital above.

Literature cited by the submitters: PubMed 12719375 (cited by 4 submitters); PubMed 22678879 (cited by 7 submitters); PubMed 7739684 (cited by 6 submitters); PubMed 25824995 (cited by 3 submitters); PubMed 38388235 (cited by Mayo Clinic Laboratories, Mayo Clinic and Quest Diagnostics Nichols Institute San Juan Capistrano); PubMed 38493004 (cited by Mayo Clinic Laboratories, Mayo Clinic and Quest Diagnostics Nichols Institute San Juan Capistrano); PubMed 38825435 (cited by Mayo Clinic Laboratories, Mayo Clinic); PubMed 38871151 (cited by Mayo Clinic Laboratories, Mayo Clinic); PubMed 39151434 (cited by Mayo Clinic Laboratories, Mayo Clinic); PubMed 35418593 (cited by Quest Diagnostics Nichols Institute San Juan Capistrano); PubMed 35585144 (cited by Quest Diagnostics Nichols Institute San Juan Capistrano); PubMed 33374015 (cited by Quest Diagnostics Nichols Institute San Juan Capistrano); PubMed 33260873 (cited by Quest Diagnostics Nichols Institute San Juan Capistrano); PubMed 33097431 (cited by Quest Diagnostics Nichols Institute San Juan Capistrano); PubMed 32819855 (cited by Quest Diagnostics Nichols Institute San Juan Capistrano); PubMed 32357917 (cited by Quest Diagnostics Nichols Institute San Juan Capistrano); PubMed 33572515 (cited by Quest Diagnostics Nichols Institute San Juan Capistrano); PubMed 31350925 (cited by Quest Diagnostics Nichols Institute San Juan Capistrano); PubMed 33946859 (cited by Quest Diagnostics Nichols Institute San Juan Capistrano); PubMed 34888852 (cited by Quest Diagnostics Nichols Institute San Juan Capistrano); PubMed 35626323 (cited by Quest Diagnostics Nichols Institute San Juan Capistrano); PubMed 32773111 (cited by Quest Diagnostics Nichols Institute San Juan Capistrano); PubMed 34145097 (cited by Quest Diagnostics Nichols Institute San Juan Capistrano); PubMed 34525262 (cited by Quest Diagnostics Nichols Institute San Juan Capistrano); PubMed 33613790 (cited by Quest Diagnostics Nichols Institute San Juan Capistrano); PubMed 28603918 (cited by Quest Diagnostics Nichols Institute San Juan Capistrano); PubMed 29589582 (cited by Quest Diagnostics Nichols Institute San Juan Capistrano); PubMed 29504914 (cited by Quest Diagnostics Nichols Institute San Juan Capistrano); PubMed 1379210 (cited by Quest Diagnostics Nichols Institute San Juan Capistrano); PubMed 7529962 (cited by Quest Diagnostics Nichols Institute San Juan Capistrano); PubMed 34996830 (cited by Quest Diagnostics Nichols Institute San Juan Capistrano); PubMed 31213628 (cited by Quest Diagnostics Nichols Institute San Juan Capistrano); PubMed 30845638 (cited by Quest Diagnostics Nichols Institute San Juan Capistrano); PubMed 20538955 (cited by Quest Diagnostics Nichols Institute San Juan Capistrano and Women's Health and Genetics/Laboratory Corporation of America, LabCorp); PubMed 17035430 (cited by Quest Diagnostics Nichols Institute San Juan Capistrano); PubMed 23891399 (cited by 3 submitters); PubMed 20977904 (cited by Quest Diagnostics Nichols Institute San Juan Capistrano and Women's Health and Genetics/Laboratory Corporation of America, LabCorp); PubMed 19812525 (cited by Quest Diagnostics Nichols Institute San Juan Capistrano and Women's Health and Genetics/Laboratory Corporation of America, LabCorp); PubMed 17329263 (cited by Quest Diagnostics Nichols Institute San Juan Capistrano and Women's Health and Genetics/Laboratory Corporation of America, LabCorp); PubMed 9921909 (cited by Quest Diagnostics Nichols Institute San Juan Capistrano and Women's Health and Genetics/Laboratory Corporation of America, LabCorp); PubMed 23951356 (cited by Quest Diagnostics Nichols Institute San Juan Capistrano and Illumina Laboratory Services, Illumina); PubMed 23974870 (cited by 4 submitters); PubMed 9272157 (cited by 3 submitters); PubMed 21520337 (cited by 4 submitters); PubMed 15858154 (cited by Quest Diagnostics Nichols Institute San Juan Capistrano and Illumina Laboratory Services, Illumina); PubMed 7475569 (cited by Quest Diagnostics Nichols Institute San Juan Capistrano); PubMed 26574590 (cited by Quest Diagnostics Nichols Institute San Juan Capistrano); PubMed 25910067 (cited by Quest Diagnostics Nichols Institute San Juan Capistrano); PubMed 25797027 (cited by Quest Diagnostics Nichols Institute San Juan Capistrano and Genetics and Molecular Pathology, SA Pathology); PubMed 25060775 (cited by Quest Diagnostics Nichols Institute San Juan Capistrano); PubMed 25033378 (cited by Quest Diagnostics Nichols Institute San Juan Capistrano); PubMed 22427236 (cited by Quest Diagnostics Nichols Institute San Juan Capistrano and Women's Health and Genetics/Laboratory Corporation of America, LabCorp); PubMed 27264265 (cited by Quest Diagnostics Nichols Institute San Juan Capistrano); PubMed 37628659 (cited by Quest Diagnostics Nichols Institute San Juan Capistrano); PubMed 38203285 (cited by Quest Diagnostics Nichols Institute San Juan Capistrano); PubMed 36409994 (cited by Quest Diagnostics Nichols Institute San Juan Capistrano); PubMed 36983403 (cited by Quest Diagnostics Nichols Institute San Juan Capistrano); PubMed 20167849 (cited by Quest Diagnostics Nichols Institute San Juan Capistrano); PubMed 26500004 (cited by Quest Diagnostics Nichols Institute San Juan Capistrano); PubMed 24586523 (cited by Quest Diagnostics Nichols Institute San Juan Capistrano and Women's Health and Genetics/Laboratory Corporation of America, LabCorp); PubMed 28194692 (cited by Quest Diagnostics Nichols Institute San Juan Capistrano); PubMed 34974990 (cited by Quest Diagnostics Nichols Institute San Juan Capistrano); PubMed 18951463 (cited by Illumina Laboratory Services, Illumina); PubMed 17662673 (cited by Women's Health and Genetics/Laboratory Corporation of America, LabCorp); PubMed 16049310 (cited by Women's Health and Genetics/Laboratory Corporation of America, LabCorp); PubMed 10445602 (cited by Women's Health and Genetics/Laboratory Corporation of America, LabCorp).